The following is an entry in ClinVar:

NM_000474.4(TWIST1):c.152G>A (p.Gly51Glu)

Gene: TWIST1 (twist family bHLH transcription factor 1; minus strand). Cytogenetic location: 7p21.1.
Variant type: single nucleotide variant.
Coding change: c.152G>A on transcript NM_000474.4 (MANE Select); coding-DNA position 152, G replaced by A.
Protein change: p.Gly51Glu; replaces glycine 51 with glutamic acid.
Molecular consequence: missense variant. On other transcripts: non-coding transcript variant (1).
Genome position (GRCh38, 1-based): chr7:19,117,170, C>T on the plus strand (G>A on the coding strand, the complement: TWIST1 is on the minus strand). VCF-style: chr7-19117170-C-T. GRCh37 (hg19) VCF-style: chr7-19156793-C-T.
Other names: short protein forms G51E.
Identifiers: ClinVar variation 872214 (VCV000872214.44), dbSNP rs1305059157, ClinGen allele CA367016037.

ClinVar aggregate classification (germline): Uncertain significance. Review status: criteria provided, multiple submitters, no conflicts (2 of 4 stars). 2 submissions from 2 submitters: Uncertain significance (2). Last evaluated 2020-03-28.

Conditions:
Sweeney-Cox syndrome. Identifiers: MedGen C4540299, MONDO:0060592, OMIM 617746.

Submissions (2):

Centre for Mendelian Genomics, University Medical Centre Ljubljana
Classification: Uncertain significance for Sweeney-Cox syndrome. Last evaluated: 2020-03-28. Review status: criteria provided, single submitter. Criteria: ACMG Guidelines, 2015. Collection method: clinical testing. Allele origin: unknown. Affected: yes.
Comment: This variant was classified as: Uncertain significance. The available evidence on this variant's pathogenicity is insufficient or conflicting. The following ACMG criteria were applied in classifying this variant: PM2,BP4.

CeGaT Center for Human Genetics Tuebingen
Classification: Uncertain significance. Last evaluated: 2019-08-01. Review status: criteria provided, single submitter. Criteria: CeGaT Center For Human Genetics Tuebingen Variant Classification Criteria Version 2. Collection method: clinical testing. Allele origin: germline. Affected: yes. Observed: 2 variant alleles.